The following is an entry in ClinVar:

NM_000327.4(ROM1):c.941G>A (p.Gly314Glu)

Gene: ROM1 (retinal outer segment membrane protein 1; plus strand). Cytogenetic location: 11q12.3.
Variant type: single nucleotide variant.
Coding change: c.941G>A on transcript NM_000327.4 (MANE Select); coding-DNA position 941, G replaced by A.
Protein change: p.Gly314Glu; replaces glycine 314 with glutamic acid.
Molecular consequence: missense variant.
Genome position (GRCh38, 1-based): chr11:62,614,724, G>A. VCF-style: chr11-62614724-G-A. GRCh37 (hg19) VCF-style: chr11-62382196-G-A.
Other names: c.941G>A (NM_000327.3); short protein forms G314E.
Identifiers: ClinVar variation 1413125 (VCV001413125.9), dbSNP rs368502798, ClinGen allele CA6049883.

ClinVar aggregate classification (germline): Uncertain significance. Review status: criteria provided, multiple submitters, no conflicts (2 of 4 stars). 3 submissions from 3 submitters: Uncertain significance (3). Last evaluated 2025-12-19.

Allele frequency attached by ClinVar (database versions not stated): ESP Exome Variant Server 0.00008; gnomAD 0.00009; gnomAD exomes 0.00009 and 0.00017; ExAC 0.00011; TOPMed 0.00011.
gnomAD v4.1: 143 of 1,614,126 alleles (0.0089%); highest among the groups gnomAD compares: Middle Eastern, 0.12%; no homozygotes.

Submissions (3):

Labcorp Genetics (formerly Invitae), Labcorp
Classification: Uncertain significance. Last evaluated: 2025-12-19. Review status: criteria provided, single submitter. Criteria: Invitae Variant Classification Sherloc (09022015). Collection method: clinical testing. Allele origin: germline.
Comment: This sequence change replaces glycine, which is neutral and non-polar, with glutamic acid, which is acidic and polar, at codon 314 of the ROM1 protein (p.Gly314Glu). This variant is present in population databases (rs368502798, gnomAD 0.2%), and has an allele count higher than expected for a pathogenic variant. This variant has not been reported in the literature in individuals affected with ROM1-related conditions. ClinVar contains an entry for this variant (Variation ID: 1413125). Invitae Evidence Modeling of protein sequence and biophysical properties (such as structural, functional, and spatial information, amino acid conservation, physicochemical variation, residue mobility, and thermodynamic stability) indicates that this missense variant is not expected to disrupt ROM1 protein function with a negative predictive value of 80%. In summary, the available evidence is currently insufficient to determine the role of this variant in disease. Therefore, it has been classified as a Variant of Uncertain Significance.

Ambry Genetics
Classification: Uncertain significance. Last evaluated: 2024-11-25. Review status: criteria provided, single submitter. Criteria: Ambry Variant Classification Scheme 2023. Collection method: clinical testing. Allele origin: germline.

Blueprint Genetics
Classification: Uncertain significance. Last evaluated: 2024-04-09. Review status: criteria provided, single submitter. Criteria: ACMG Guidelines, 2015. Collection method: clinical testing. Allele origin: germline.